The following is an entry in ClinVar:

NM_001034853.2(RPGR):c.1496T>C (p.Ile499Thr)

Gene: RPGR (retinitis pigmentosa GTPase regulator; minus strand). Cytogenetic location: Xp11.4.
Variant type: single nucleotide variant.
Coding change: c.1496T>C on transcript NM_001034853.2 (MANE Select); coding-DNA position 1496, T replaced by C.
Protein change: p.Ile499Thr; replaces isoleucine 499 with threonine.
Molecular consequence: missense variant. On other transcripts: non-coding transcript variant (5).
Genome position (GRCh38, 1-based): chrX:38,291,403, A>G on the plus strand (T>C on the coding strand, the complement: RPGR is on the minus strand). VCF-style: chrX-38291403-A-G. GRCh37 (hg19) VCF-style: chrX-38150656-A-G.
Other names: c.1496T>C, p.Ile499Thr (NM_000328.3, NM_001367247.1); c.1493T>C, p.Ile498Thr (NM_001367245.1, NM_001367249.1, NM_001367250.1); c.1310T>C, p.Ile437Thr (NM_001367246.1, NM_001367251.1); c.1526T>C, p.Ile509Thr (NM_001367248.1); short protein forms I437T, I499T, I498T, I509T.
Identifiers: ClinVar variation 2585326 (VCV002585326.1), dbSNP rs1450528294, ClinGen allele CA412737740.

ClinVar aggregate classification (germline): Uncertain significance (1 of 4 stars; one submission).

Conditions:
Macular degeneration, X-linked atrophic. Identifiers: Orphanet 1872, MedGen C3151784, MONDO:0010443, OMIM 300834.

Allele frequency attached by ClinVar (database versions not stated): gnomAD 0.00001.

Submission:

Neuberg Centre For Genomic Medicine, NCGM
Classification: Uncertain significance for Macular degeneration, X-linked atrophic. Review status: criteria provided, single submitter. Criteria: ACMG Guidelines, 2015. Collection method: clinical testing. Allele origin: germline. Inheritance: X-linked inheritance. Affected: yes.
Comment: The missense variant c.1496T>C (p.Ile499Thr) in RPGR gene has not been reported previously as a pathogenic variant nor as a benign variant, to our knowledge. The p.Ile499Thr variant is novel (not in any individuals) in gnomAD Exomes and 1000 Genomes. The amino acid Ile at position 499 is changed to a Thr changing protein sequence and it might alter its composition and physico-chemical properties. In silico tools predict the variant to be tolerated. The residue is conserved across species. The amino acid change p.Ile499Thr in RPGR is predicted as conserved by GERP++ and PhyloP across 100 vertebrates. For these reasons, this variant has been classified as Variant of Uncertain Significance (VUS).